The following is an entry in ClinVar:

ClinVar aggregate classification (germline): Conflicting classifications of pathogenicity. Review status: criteria provided, conflicting classifications (1 of 4 stars). 3 submissions from 3 submitters: Uncertain significance (1); Likely benign (2). Last evaluated 2024-10-21.

Conditions:
Neuroblastoma, susceptibility to, 3. Also called: ALK-Related Neuroblastic Tumor Susceptibility. Identifiers: Orphanet 635, MedGen C2751681, MONDO:0013083, OMIM 613014.
Hereditary cancer-predisposing syndrome. Also called: Tumor predisposition; Hereditary neoplastic syndrome; Neoplastic Syndromes, Hereditary; Hereditary Cancer Syndrome. Identifiers: Orphanet 140162, MedGen C0027672, MeSH D009386, MONDO:0015356.

Allele frequency attached by ClinVar (database versions not stated): gnomAD exomes 0.00001; TOPMed 0.00005.

Submissions (3):

Labcorp Genetics (formerly Invitae), Labcorp
Classification: Likely benign for Neuroblastoma, susceptibility to, 3. Last evaluated: 2024-10-21. Review status: criteria provided, single submitter. Criteria: Invitae Variant Classification Sherloc (09022015). Collection method: clinical testing. Allele origin: germline.

GeneDx
Classification: Uncertain significance. Last evaluated: 2023-09-18. Review status: criteria provided, single submitter. Criteria: GeneDx Variant Classification Process June 2021. Collection method: clinical testing. Allele origin: germline. Affected: yes.
Comment: Not observed at significant frequency in large population cohorts (gnomAD); In silico analysis supports that this variant does not alter splicing; Has not been previously published as pathogenic or benign to our knowledge

Ambry Genetics
Classification: Likely benign for Hereditary cancer-predisposing syndrome. Last evaluated: 2022-11-26. Review status: criteria provided, single submitter. Criteria: Ambry Variant Classification Scheme 2023. Collection method: clinical testing. Allele origin: germline.

NM_004304.5(ALK):c.2781G>T (p.Gly927=)

Gene: ALK (ALK receptor tyrosine kinase; minus strand). Cytogenetic location: 2p23.2.
Variant type: single nucleotide variant.
Coding change: c.2781G>T on transcript NM_004304.5 (MANE Select); coding-DNA position 2781, G replaced by T.
Protein change: p.Gly927=; no amino-acid change (glycine 927 retained).
Molecular consequence: synonymous variant.
Genome position (GRCh38, 1-based): chr2:29,228,918, C>A on the plus strand (G>T on the coding strand, the complement: ALK is on the minus strand). VCF-style: chr2-29228918-C-A. GRCh37 (hg19) VCF-style: chr2-29451784-C-A.
Identifiers: ClinVar variation 703707 (VCV000703707.13), dbSNP rs1264537420, ClinGen allele CA425436254.
Genomic context (GRCh38, chr2:29,228,918, plus strand): 5'-ACACCTTGAACACGAATCATCTTTACCTATATATCCTCCGCCTCCTCCACCTGAGGAGCA[C>A]CCCCCTCCACCCCCTCCGAAACCCCCTCTTGTCTCCCACCCCCACTTCTTCATGGCCTGG-3'
Protein context (NP_004295.2, residues 917-937): TRGGFGGGGG[Gly927=]CSSGGGGGGY